The following is an entry in ClinVar:

ClinVar aggregate classification (germline): Uncertain significance (1 of 4 stars; one submission).

Submission:

GeneDx
Classification: Uncertain significance. Last evaluated: 2023-03-09. Review status: criteria provided, single submitter. Criteria: GeneDx Variant Classification Process June 2021. Collection method: clinical testing. Allele origin: germline. Affected: yes.
Comment: Not observed at significant frequency in large population cohorts (gnomAD); In silico analysis supports that this missense variant has a deleterious effect on protein structure/function; Has not been previously published as pathogenic or benign to our knowledge

NM_001291415.2(KDM6A):c.1936G>A (p.Gly646Ser)

Gene: KDM6A (lysine demethylase 6A; plus strand). Cytogenetic location: Xp11.3.
Variant type: single nucleotide variant.
Coding change: c.1936G>A on transcript NM_001291415.2 (MANE Select); coding-DNA position 1936, G replaced by A.
Protein change: p.Gly646Ser; replaces glycine 646 with serine.
Molecular consequence: missense variant. On other transcripts: non-coding transcript variant (1).
Genome position (GRCh38, 1-based): chrX:45,063,674, G>A. VCF-style: chrX-45063674-G-A. GRCh37 (hg19) VCF-style: chrX-44922919-G-A.
Other names: c.1801G>A, p.Gly601Ser (NM_001291416.2, NM_001419811.1); c.1645G>A, p.Gly549Ser (NM_001291417.2); c.1543G>A, p.Gly515Ser (NM_001291418.2, NM_001419815.1); c.892G>A, p.Gly298Ser (NM_001291421.2); c.1678G>A, p.Gly560Ser (NM_001410742.1, NM_001419814.1); c.1936G>A, p.Gly646Ser (NM_001419809.1); c.1834G>A, p.Gly612Ser (NM_001419810.1, NM_001419813.1); c.1780G>A, p.Gly594Ser (NM_001419812.1, NM_021140.4); short protein forms G298S, G515S, G549S, G560S, G594S, G601S, G612S, G646S.
Identifiers: ClinVar variation 2579454 (VCV002579454.1), dbSNP rs2147996456, ClinGen allele CA412789934.